The following is an entry in ClinVar:

NM_002335.4(LRP5):c.3217G>A (p.Val1073Ile)

Gene: LRP5 (LDL receptor related protein 5; plus strand). Cytogenetic location: 11q13.2.
Variant type: single nucleotide variant.
Coding change: c.3217G>A on transcript NM_002335.4 (MANE Select); coding-DNA position 3217, G replaced by A.
Protein change: p.Val1073Ile; replaces valine 1073 with isoleucine.
Molecular consequence: missense variant.
Genome position (GRCh38, 1-based): chr11:68,423,678, G>A. VCF-style: chr11-68423678-G-A. GRCh37 (hg19) VCF-style: chr11-68191146-G-A.
Other names: c.3217G>A (NM_002335.3); c.1474G>A, p.Val492Ile (NM_001291902.2); short protein forms V1073I, V492I.
Identifiers: ClinVar variation 1907428 (VCV001907428.7), dbSNP rs769451612, ClinGen allele CA6149878.

ClinVar aggregate classification (germline): Uncertain significance. Review status: criteria provided, multiple submitters, no conflicts (2 of 4 stars). 3 submissions from 3 submitters: Uncertain significance (3). Last evaluated 2025-07-06.

Conditions:
Autosomal dominant osteopetrosis 1 (OPTA1). Also called: OSTEOPETROSIS, AUTOSOMAL DOMINANT, TYPE I. Identifiers: Orphanet 2783, MedGen C1843330, MONDO:0011877, OMIM 607634.
Bone mineral density quantitative trait locus 1 (BMND1). Identifiers: MedGen C1866079, OMIM 601884.
Worth disease. Also called: ENDOSTEAL HYPEROSTOSIS, AUTOSOMAL DOMINANT; OSTEOSCLEROSIS, AUTOSOMAL DOMINANT; Autosomal dominant osteosclerosis, Worth type. Identifiers: Orphanet 2790, MedGen C0432273, MONDO:0007764, OMIM 144750.
Exudative vitreoretinopathy 4 (EVR4). Identifiers: Orphanet 891, MedGen C1866176, MONDO:0011151, OMIM 601813.
Osteoporosis with pseudoglioma (OPPG). Also called: osteoporosis-pseudoglioma syndrome. Identifiers: Orphanet 2788, MedGen C0432252, MONDO:0009820, OMIM 259770.
Polycystic liver disease 4 with or without kidney cysts. Identifiers: MedGen C4693479, MONDO:0044327, OMIM 617875.
LRP5-related disorder. Also called: LRP5-related condition.

Allele frequency attached by ClinVar (database versions not stated): gnomAD 0.00001; gnomAD exomes 0.00001; ExAC 0.00003; TOPMed 0.00003.
gnomAD v4.1: 21 of 1,612,674 alleles (0.0013%); highest among the groups gnomAD compares: African/African-American, 0.004%; no homozygotes.

Submissions (3):

Labcorp Genetics (formerly Invitae), Labcorp
Classification: Uncertain significance. Last evaluated: 2025-07-06. Review status: criteria provided, single submitter. Criteria: Invitae Variant Classification Sherloc (09022015). Collection method: clinical testing. Allele origin: germline.
Comment: This sequence change replaces valine, which is neutral and non-polar, with isoleucine, which is neutral and non-polar, at codon 1073 of the LRP5 protein (p.Val1073Ile). This variant is present in population databases (rs769451612, gnomAD 0.02%). This missense change has been observed in individual(s) with inherited retinal dystrophy (PMID: 32483926). ClinVar contains an entry for this variant (Variation ID: 1907428). Invitae Evidence Modeling of protein sequence and biophysical properties (such as structural, functional, and spatial information, amino acid conservation, physicochemical variation, residue mobility, and thermodynamic stability) indicates that this missense variant is not expected to disrupt LRP5 protein function with a negative predictive value of 95%. In summary, the available evidence is currently insufficient to determine the role of this variant in disease. Therefore, it has been classified as a Variant of Uncertain Significance.

PreventionGenetics, part of Exact Sciences
Classification: Uncertain significance for LRP5-related condition. Last evaluated: 2024-10-10. Review status: criteria provided, single submitter. Criteria: ACMG Guidelines, 2015. Collection method: clinical testing. Allele origin: germline.
Comment: The LRP5 c.3217G>A variant is predicted to result in the amino acid substitution p.Val1073Ile. This variant has been reported in an individual with Retinal or optic nerve disease (Table S12, Diñeiro et al. 2020. PubMed ID: 32483926). This variant is reported in 0.022% of alleles in individuals of East Asian descent in gnomAD. At this time, the clinical significance of this variant is uncertain due to the absence of conclusive functional and genetic evidence.

Fulgent Genetics
Classification: Uncertain significance for Worth disease; Osteoporosis with pseudoglioma; Exudative vitreoretinopathy 4; Bone mineral density quantitative trait locus 1; Autosomal dominant osteopetrosis 1; Polycystic liver disease 4 with or without kidney cysts. Last evaluated: 2024-04-24. Review status: criteria provided, single submitter. Criteria: ACMG Guidelines, 2015. Collection method: clinical testing. Allele origin: germline.

Literature cited by the submitters: PubMed 32483926 (cited by Labcorp Genetics (formerly Invitae), Labcorp).